The following is an entry in ClinVar:

ClinVar aggregate classification (germline): Pathogenic (1 of 4 stars; one submission).

Submission:

Labcorp Genetics (formerly Invitae), Labcorp
Classification: Pathogenic. Last evaluated: 2022-06-29. Review status: criteria provided, single submitter. Criteria: Invitae Variant Classification Sherloc (09022015). Collection method: clinical testing. Allele origin: germline.
Comment: For these reasons, this variant has been classified as Pathogenic. This variant disrupts a region of the CDHR1 protein in which other variant(s) (p.Gly703Valfs*138) have been determined to be pathogenic (PMID: 32141364; Invitae). This suggests that this is a clinically significant region of the protein, and that variants that disrupt it are likely to be disease-causing. This variant has not been reported in the literature in individuals affected with CDHR1-related conditions. This variant is not present in population databases (gnomAD no frequency). This sequence change creates a premature translational stop signal (p.Pro664Hisfs*28) in the CDHR1 gene. While this is not anticipated to result in nonsense mediated decay, it is expected to disrupt the last 196 amino acid(s) of the CDHR1 protein.

Literature cited by the submitters: PubMed 32141364.

NM_033100.4(CDHR1):c.1991del (p.Pro664fs)

Gene: CDHR1 (cadherin related family member 1; plus strand). Cytogenetic location: 10q23.1.
Variant type: Deletion.
Coding change: c.1991del on transcript NM_033100.4 (MANE Select); coding-DNA position 1991, one base deleted (C; older notation c.1991delC).
Protein change: p.Pro664fs; shifts the reading frame from proline 664.
Molecular consequence: frameshift variant.
Genome position (GRCh38, 1-based): chr10:84,213,299, C deleted; the last of 4 consecutive C bases (chr10:84,213,296-84,213,299); deleting any one gives the same sequence. VCF-style (leftmost placement, unchanged base first): chr10-84213295-TC-T. GRCh37 (hg19) VCF-style: chr10-85973051-TC-T.
Other names: c.1991del, p.Pro664fs (NM_001171971.3); short protein forms P664fs.
Identifiers: ClinVar variation 2012350 (VCV002012350.4), dbSNP rs2492544570, ClinGen allele CA2580082360.